The following is an entry in ClinVar:

ClinVar aggregate classification (germline): Uncertain significance (1 of 4 stars; one submission).

Submission:

GeneDx
Classification: Uncertain significance. Last evaluated: 2023-12-09. Review status: criteria provided, single submitter. Criteria: GeneDx Variant Classification Process June 2021. Collection method: clinical testing. Allele origin: germline. Affected: yes.
Comment: Not observed at significant frequency in large population cohorts (gnomAD); Has not been previously published as pathogenic or benign to our knowledge; Canonical splice site variant in a gene for which loss-of-function is not an established mechanism of disease

NM_004522.3(KIF5C):c.2100+1G>T

Gene: KIF5C (kinesin family member 5C; plus strand). Cytogenetic location: 2q23.1.
Variant type: single nucleotide variant.
Coding change: c.2100+1G>T on transcript NM_004522.3 (MANE Select); the canonical splice donor site of the intron after coding-DNA position 2100, G replaced by T.
Molecular consequence: splice donor variant.
Genome position (GRCh38, 1-based): chr2:148,997,341, G>T. VCF-style: chr2-148997341-G-T. GRCh37 (hg19) VCF-style: chr2-149853855-G-T.
Identifiers: ClinVar variation 3252944 (VCV003252944.1), dbSNP rs2468300960.